The following is an entry in ClinVar:

NM_145239.3(PRRT2):c.210_211del (p.Glu70fs)

Genes: MVP-DT (MVP divergent transcript; minus strand), PRRT2 (proline rich transmembrane protein 2; plus strand). Cytogenetic location: 16p11.2.
Variant type: Deletion.
Coding change: c.210_211del on transcript NM_145239.3 (MANE Select); coding-DNA positions 210 to 211, 2 bases deleted (AA; older notation c.210_211delAA).
Protein change: p.Glu70fs; shifts the reading frame from glutamic acid 70.
Molecular consequence: frameshift variant.
Genome position (GRCh38, 1-based): chr16:29,813,264-29,813,265, AA deleted; deleting any 2 consecutive bases within chr16:29,813,263-29,813,265 gives the same sequence; the c. name uses the placement nearest the transcript's 3' end. VCF-style (leftmost placement, unchanged base first): chr16-29813262-GAA-G. GRCh37 (hg19) VCF-style: chr16-29824583-GAA-G.
Other names: c.210_211del, p.Glu70fs (NM_001256442.2, NM_001256443.2); c.210_211delAA (NM_145239.2); c.210_211del (NM_145239.2); short protein forms E70fs.
Identifiers: ClinVar variation 280358 (VCV000280358.7), dbSNP rs886041579, ClinGen allele CA10603382.

ClinVar aggregate classification (germline): Pathogenic. Review status: criteria provided, multiple submitters, no conflicts (2 of 4 stars). 2 submissions from 2 submitters: Pathogenic (2). Last evaluated 2025-11-26.

Conditions:
Episodic kinesigenic dyskinesia (EKD). Also called: Paroxysmal kinesigenic dyskinesia. Identifiers: Orphanet 98809, MedGen C1868682, MONDO:0044202.

Submissions (2):

GeneDx
Classification: Pathogenic. Last evaluated: 2025-11-26. Review status: criteria provided, single submitter. Criteria: GeneDx Variant Classification Process June 2021. Collection method: clinical testing. Allele origin: germline. Affected: yes.
Comment: Frameshift variant predicted to result in protein truncation or nonsense mediated decay in a gene for which loss of function is a known mechanism of disease; Not observed at significant frequency in large population cohorts (gnomAD); Has not been previously published as pathogenic or benign to our knowledge

Labcorp Genetics (formerly Invitae), Labcorp
Classification: Pathogenic for Episodic kinesigenic dyskinesia. Last evaluated: 2022-11-07. Review status: criteria provided, single submitter. Criteria: Invitae Variant Classification Sherloc (09022015). Collection method: clinical testing. Allele origin: germline.
Comment: This sequence change creates a premature translational stop signal (p.Glu70Aspfs*63) in the PRRT2 gene. It is expected to result in an absent or disrupted protein product. Loss-of-function variants in PRRT2 are known to be pathogenic (PMID: 22623405, 22744660). For these reasons, this variant has been classified as Pathogenic. ClinVar contains an entry for this variant (Variation ID: 280358). This variant has not been reported in the literature in individuals affected with PRRT2-related conditions. This variant is not present in population databases (gnomAD no frequency).

Literature cited by the submitters: PubMed 22623405 (cited by Labcorp Genetics (formerly Invitae), Labcorp); PubMed 22744660 (cited by Labcorp Genetics (formerly Invitae), Labcorp).